The following is an entry in ClinVar:

ClinVar aggregate classification (germline): Uncertain significance (1 of 4 stars; one submission).

Conditions:
POLD1-related polyposis and colorectal cancer syndrome (CRCS10). Also called: Colorectal cancer 10; COLORECTAL CANCER, SUSCEPTIBILITY TO, ON CHROMOSOME 19q; Colorectal cancer, susceptibility to, 10. Identifiers: Orphanet 220460, MedGen C2675481, MONDO:0012953, OMIM 612591.

Allele frequency attached by ClinVar (database versions not stated): gnomAD below 0.00001 and 0.00001; gnomAD exomes below 0.00001 and 0.00001; ExAC 0.00003; 1000 Genomes Project 30x 0.00016; 1000 Genomes Project 0.00020.

Submission:

Labcorp Genetics (formerly Invitae), Labcorp
Classification: Uncertain significance for POLD1-related polyposis and colorectal cancer syndrome. Last evaluated: 2021-07-14. Review status: criteria provided, single submitter. Criteria: Invitae Variant Classification Sherloc (09022015). Collection method: clinical testing. Allele origin: germline.
Comment: This sequence change replaces glycine with glutamic acid at codon 271 of the POLD1 protein (p.Gly271Glu). The glycine residue is highly conserved and there is a moderate physicochemical difference between glycine and glutamic acid. This variant is present in population databases (rs577425714, ExAC 0.02%). This variant has not been reported in the literature in individuals with POLD1-related disease. Algorithms developed to predict the effect of missense changes on protein structure and function output the following: SIFT: "Tolerated"; PolyPhen-2: "Benign"; Align-GVGD: "Class C0". The glutamic acid amino acid residue is found in multiple mammalian species, suggesting that this missense change does not adversely affect protein function. These predictions have not been confirmed by published functional studies and their clinical significance is uncertain. In summary, the available evidence is currently insufficient to determine the role of this variant in disease. Therefore, it has been classified as a Variant of Uncertain Significance.

NM_002691.4(POLD1):c.812G>A (p.Gly271Glu)

Gene: POLD1 (DNA polymerase delta 1, catalytic subunit; plus strand). Cytogenetic location: 19q13.33.
Variant type: single nucleotide variant.
Coding change: c.812G>A on transcript NM_002691.4 (MANE Select); coding-DNA position 812, G replaced by A.
Protein change: p.Gly271Glu; replaces glycine 271 with glutamic acid.
Molecular consequence: missense variant. On other transcripts: non-coding transcript variant (1).
Genome position (GRCh38, 1-based): chr19:50,402,507, G>A. VCF-style: chr19-50402507-G-A. GRCh37 (hg19) VCF-style: chr19-50905764-G-A.
Other names: c.812G>A, p.Gly271Glu (NM_001256849.1, NM_001308632.1); short protein forms G271E.
Identifiers: ClinVar variation 565814 (VCV000565814.11), dbSNP rs577425714, ClinGen allele CA9595912.